The following is an entry in ClinVar:

ClinVar aggregate classification (germline): Uncertain significance. Review status: criteria provided, multiple submitters, no conflicts (2 of 4 stars). 2 submissions from 2 submitters: Uncertain significance (2). Last evaluated 2025-02-27.

Allele frequency attached by ClinVar (database versions not stated): ExAC 0.00009.

Submissions (2):

Labcorp Genetics (formerly Invitae), Labcorp
Classification: Uncertain significance. Last evaluated: 2025-02-27. Review status: criteria provided, single submitter. Criteria: Invitae Variant Classification Sherloc (09022015). Collection method: clinical testing. Allele origin: germline.
Comment: This sequence change replaces arginine, which is basic and polar, with glutamine, which is neutral and polar, at codon 207 of the ICOSLG protein (p.Arg207Gln). This variant is present in population databases (rs776604966, gnomAD 0.01%). This variant has not been reported in the literature in individuals affected with ICOSLG-related conditions. ClinVar contains an entry for this variant (Variation ID: 2041498). An algorithm developed to predict the effect of missense changes on protein structure and function (PolyPhen-2) suggests that this variant is likely to be tolerated. In summary, the available evidence is currently insufficient to determine the role of this variant in disease. Therefore, it has been classified as a Variant of Uncertain Significance.

Ambry Genetics
Classification: Uncertain significance. Last evaluated: 2023-12-17. Review status: criteria provided, single submitter. Criteria: Ambry Variant Classification Scheme 2023. Collection method: clinical testing. Allele origin: germline.

NM_015259.6(ICOSLG):c.620G>A (p.Arg207Gln)

Gene: ICOSLG (inducible T cell costimulator ligand; minus strand). Cytogenetic location: 21q22.3.
Variant type: single nucleotide variant.
Coding change: c.620G>A on transcript NM_015259.6 (MANE Select); coding-DNA position 620, G replaced by A.
Protein change: p.Arg207Gln; replaces arginine 207 with glutamine.
Molecular consequence: missense variant.
Genome position (GRCh38, 1-based): chr21:44,235,349, C>T on the plus strand (G>A on the coding strand, the complement: ICOSLG is on the minus strand). VCF-style: chr21-44235349-C-T. GRCh37 (hg19) VCF-style: chr21-45655232-C-T.
Other names: c.620G>A, p.Arg207Gln (NM_001283050.2, NM_001395918.1); c.269G>A, p.Arg90Gln (NM_001283051.2); c.365G>A, p.Arg122Gln (NM_001283052.2); c.539G>A, p.Arg180Gln (NM_001365759.2); c.620G>A (NM_015259.4); short protein forms R122Q, R207Q, R180Q, R90Q.
Identifiers: ClinVar variation 2041498 (VCV002041498.5), dbSNP rs776604966, ClinGen allele CA321497111.